The following is an entry in ClinVar:

ClinVar aggregate classification (germline): Benign/Likely benign. Review status: criteria provided, multiple submitters, no conflicts (2 of 4 stars). 3 submissions from 3 submitters: Benign (2); Likely benign (1). Last evaluated 2021-05-12.

Conditions:
Ceroid lipofuscinosis, neuronal, 4 (Kufs type) (CLN4). Also called: Neuronal ceroid lipofuscinosis 4B; Ceroid lipofuscinosis, neuronal, 4, Parry type. Identifiers: Orphanet 228343, Orphanet 79262, MedGen C1834207, MONDO:0008083, OMIM 162350.

Allele frequency attached by ClinVar (database versions not stated): 1000 Genomes Project 0.05072; 1000 Genomes Project 30x 0.05325; TOPMed 0.06969; gnomAD exomes 0.21875.

Submissions (3):

GeneDx
Classification: Benign. Last evaluated: 2021-05-12. Review status: criteria provided, single submitter. Criteria: GeneDx Variant Classification Process June 2021. Collection method: clinical testing. Allele origin: germline. Affected: yes.

Illumina Laboratory Services, Illumina
Classification: Benign for Ceroid lipofuscinosis, neuronal, 4 (Kufs type). Last evaluated: 2018-01-13. Review status: criteria provided, single submitter. Criteria: ICSL Variant Classification Criteria 13 December 2019. Collection method: clinical testing. Allele origin: germline.
Comment: This variant was observed in the ICSL laboratory as part of a predisposition screen in an ostensibly healthy population. It had not been previously curated by ICSL or reported in the Human Gene Mutation Database (HGMD: prior to June 1st, 2018), and was therefore a candidate for classification through an automated scoring system. Utilizing variant allele frequency, disease prevalence and penetrance estimates, and inheritance mode, an automated score was calculated to assess if this variant is too frequent to cause the disease. Based on the score and internal cut-off values, a variant classified as benign is not then subjected to further curation. The score for this variant resulted in a classification of benign for this disease.

Breakthrough Genomics
Classification: Likely benign. Review status: criteria provided, single submitter. Criteria: ACMG Guidelines, 2015. Collection method: not provided. Allele origin: germline. Inheritance: Autosomal dominant inheritance. Affected: yes.

NM_025219.3(DNAJC5):c.*2723A>G

Gene: DNAJC5 (DnaJ heat shock protein family (Hsp40) member C5; plus strand). Cytogenetic location: 20q13.33.
Variant type: single nucleotide variant.
Coding change: c.*2723A>G on transcript NM_025219.3 (MANE Select); 2723 bases downstream of the stop codon, A replaced by G.
Molecular consequence: 3 prime UTR variant.
Genome position (GRCh38, 1-based): chr20:63,934,291, A>G. VCF-style: chr20-63934291-A-G. GRCh37 (hg19) VCF-style: chr20-62565644-A-G.
Identifiers: ClinVar variation 339410 (VCV000339410.9), dbSNP rs76769576, ClinGen allele CA10650247.